The following is an entry in ClinVar:

ClinVar aggregate classification (germline): Pathogenic (1 of 4 stars; one submission).

Conditions:
Inborn genetic diseases. Identifiers: MedGen C0950123, MeSH D030342.

Submission:

Ambry Genetics
Classification: Pathogenic for Inborn genetic diseases. Last evaluated: 2023-10-18. Review status: criteria provided, single submitter. Criteria: Ambry Variant Classification Scheme 2023. Collection method: clinical testing. Allele origin: germline.
Comment: The c.362delC (p.P121Lfs*66) alteration, located in exon 3 (coding exon 3) of the ZC4H2 gene, consists of a deletion of one nucleotide at position 362, causing a translational frameshift with a predicted alternate stop codon after 66 amino acids. This alteration occurs at the 3' terminus of the ZC4H2 gene, is not expected to trigger nonsense-mediated mRNA decay, and impacts the last 46% of the protein. Premature stop codons are typically deleterious in nature and a significant portion of the protein is affected (Ambry internal data). This variant was not reported in population-based cohorts in the Genome Aggregation Database (gnomAD). Based on the available evidence, this alteration is classified as pathogenic.

NM_018684.4(ZC4H2):c.362del (p.Pro121fs)

Gene: ZC4H2 (zinc finger C4H2-type containing; minus strand). Cytogenetic location: Xq11.2.
Variant type: Deletion.
Coding change: c.362del on transcript NM_018684.4 (MANE Select); coding-DNA position 362, one base deleted (C; older notation c.362delC).
Protein change: p.Pro121fs; shifts the reading frame from proline 121.
Molecular consequence: frameshift variant. On other transcripts: non-coding transcript variant (1).
Genome position (GRCh38, 1-based): chrX:64,920,117, G deleted on the plus strand (C on the coding strand, the reverse complement: ZC4H2 is on the minus strand); the first of 3 consecutive G bases (chrX:64,920,117-64,920,119); deleting any one gives the same sequence. VCF-style (leftmost placement, unchanged base first): chrX-64920116-AG-A. GRCh37 (hg19) VCF-style: chrX-64139996-AG-A.
Other names: c.293del, p.Pro98fs (NM_001178032.3, NM_001243804.2); c.362del, p.Pro121fs (NM_001178033.3); short protein forms P121fs, P98fs.
Identifiers: ClinVar variation 3192475 (VCV003192475.1), dbSNP rs2519693722, ClinGen allele CA2825002954.